The following is an entry in ClinVar:

ClinVar aggregate classification (germline): Uncertain significance (1 of 4 stars; one submission).

Conditions:
Hereditary cancer-predisposing syndrome. Also called: Neoplastic Syndromes, Hereditary; Tumor predisposition; Hereditary neoplastic syndrome; Hereditary Cancer Syndrome. Identifiers: Orphanet 140162, MedGen C0027672, MeSH D009386, MONDO:0015356.

Submission:

Ambry Genetics
Classification: Uncertain significance for Hereditary cancer-predisposing syndrome. Last evaluated: 2026-07-18. Review status: criteria provided, single submitter. Criteria: Ambry Variant Classification Scheme 2023. Collection method: clinical testing. Allele origin: germline.
Comment: The p.G1442V variant (also known as c.4325G>T), located in coding exon 34 of the POLE gene, results from a G to T substitution at nucleotide position 4325. The glycine at codon 1442 is replaced by valine, an amino acid with dissimilar properties. This amino acid position is conserved. In addition, this alteration is predicted to be deleterious by in silico analysis. Based on the available evidence, the clinical significance of this variant remains unclear.

NM_006231.4(POLE):c.4325G>T (p.Gly1442Val)

Gene: POLE (DNA polymerase epsilon, catalytic subunit; minus strand). Cytogenetic location: 12q24.33.
Variant type: single nucleotide variant.
Coding change: c.4325G>T on transcript NM_006231.4 (MANE Select); coding-DNA position 4325, G replaced by T.
Protein change: p.Gly1442Val; replaces glycine 1442 with valine.
Molecular consequence: missense variant.
Genome position (GRCh38, 1-based): chr12:132,643,526, C>A on the plus strand (G>T on the coding strand, the complement: POLE is on the minus strand). VCF-style: chr12-132643526-C-A. GRCh37 (hg19) VCF-style: chr12-133220112-C-A.
Other names: short protein forms G1442V.
Identifiers: ClinVar variation 5027086 (VCV005027086.1).